The following is an entry in ClinVar:

NM_001040108.2(MLH3):c.4301A>G (p.Lys1434Arg)

Gene: MLH3 (mutL homolog 3; minus strand). Cytogenetic location: 14q24.3.
Variant type: single nucleotide variant.
Coding change: c.4301A>G on transcript NM_001040108.2 (MANE Select); coding-DNA position 4301, A replaced by G.
Protein change: p.Lys1434Arg; replaces lysine 1434 with arginine.
Molecular consequence: missense variant.
Genome position (GRCh38, 1-based): chr14:75,017,143, T>C on the plus strand (A>G on the coding strand, the complement: MLH3 is on the minus strand). VCF-style: chr14-75017143-T-C. GRCh37 (hg19) VCF-style: chr14-75483846-T-C.
Other names: c.4229A>G, p.Lys1410Arg (NM_014381.3); short protein forms K1434R, K1410R.
Identifiers: ClinVar variation 410888 (VCV000410888.18), dbSNP rs772866061, ClinGen allele CA7275161.

ClinVar aggregate classification (germline): Uncertain significance. Review status: criteria provided, multiple submitters, no conflicts (2 of 4 stars). 6 submissions from 6 submitters: Uncertain significance (5). 1 of the submissions does not count toward it. Last evaluated 2025-12-29.

Conditions:
MLH3-related disorder. Also called: MLH3-related condition.
Colorectal cancer, hereditary nonpolyposis, type 7. Identifiers: Orphanet 144, MedGen C1858380, MONDO:0013725, OMIM 614385.
Colorectal cancer. Also called: Colorectal cancer, somatic; Malignant Colorectal Neoplasm. Identifiers: MedGen C0346629, MONDO:0005575, OMIM 114500.
Endometrial carcinoma. Also called: Endometrial carcinoma, somatic. Identifiers: MedGen C0476089, MONDO:0002447, OMIM 608089, HP:0012114.

Allele frequency attached by ClinVar (database versions not stated): ExAC 0.00001; gnomAD 0.00001; gnomAD exomes 0.00001 and 0.00005; TOPMed 0.00002.
gnomAD v4.1: 65 of 1,613,302 alleles (0.004%); highest among the groups gnomAD compares: Non-Finnish European, 0.0055%; no homozygotes.

Submissions (6):

Center for Genomic Medicine, Rigshospitalet, Copenhagen University Hospital
Classification: Uncertain significance. Last evaluated: 2025-12-29. Review status: criteria provided, single submitter. Criteria: ACMG Guidelines, 2015. Collection method: clinical testing. Allele origin: germline.

Ambry Genetics
Classification: Uncertain significance. Last evaluated: 2025-07-28. Review status: criteria provided, single submitter. Criteria: Ambry Variant Classification Scheme 2023. Collection method: clinical testing. Allele origin: germline.
Comment: The p.K1434R variant (also known as c.4301A>G), located in coding exon 12 of the MLH3 gene, results from an A to G substitution at nucleotide position 4301. The lysine at codon 1434 is replaced by arginine, an amino acid with highly similar properties. This amino acid position is highly conserved in available vertebrate species. In addition, the in silico prediction for this alteration is inconclusive. Since supporting evidence is limited at this time, the clinical significance of this alteration remains unclear.

Labcorp Genetics (formerly Invitae), Labcorp
Classification: Uncertain significance for Colorectal cancer, hereditary nonpolyposis, type 7. Last evaluated: 2024-09-25. Review status: criteria provided, single submitter. Criteria: Invitae Variant Classification Sherloc (09022015). Collection method: clinical testing. Allele origin: germline.
Comment: This sequence change replaces lysine, which is basic and polar, with arginine, which is basic and polar, at codon 1434 of the MLH3 protein (p.Lys1434Arg). This variant is present in population databases (rs772866061, gnomAD 0.003%). This variant has not been reported in the literature in individuals affected with MLH3-related conditions. ClinVar contains an entry for this variant (Variation ID: 410888). An algorithm developed to predict the effect of missense changes on protein structure and function outputs the following: PolyPhen-2: "Benign". The arginine amino acid residue is found in multiple mammalian species, which suggests that this missense change does not adversely affect protein function. In summary, the available evidence is currently insufficient to determine the role of this variant in disease. Therefore, it has been classified as a Variant of Uncertain Significance.

ARUP Laboratories, Molecular Genetics and Genomics, ARUP Laboratories
Classification: Uncertain significance. Last evaluated: 2024-04-18. Review status: criteria provided, single submitter. Criteria: ARUP Molecular Germline Variant Investigation Process 2024. Collection method: clinical testing. Allele origin: germline.
Comment: The MLH3 c.4301A>G; p.Lys1434Arg variant (rs772866061), to our knowledge, is not reported in the medical literature but is reported in ClinVar (Variation ID: 410888). This variant is found in the non-Finnish European population with an allele frequency of 0.003% (3/113,754 alleles) in the Genome Aggregation Database (v2.1.1). Computational analyses are uncertain whether this variant is neutral or deleterious (REVEL: 0.344). Due to limited information, the clinical significance of this variant is uncertain at this time.

Fulgent Genetics
Classification: Uncertain significance for Colorectal cancer; Endometrial carcinoma; Colorectal cancer, hereditary nonpolyposis, type 7. Last evaluated: 2024-03-19. Review status: criteria provided, single submitter. Criteria: ACMG Guidelines, 2015. Collection method: clinical testing. Allele origin: germline.

PreventionGenetics, part of Exact Sciences
Classification: Uncertain significance for MLH3-related condition. Last evaluated: 2024-01-09. Review status: no assertion criteria provided. Collection method: clinical testing. Allele origin: germline. Not counted in ClinVar's aggregate classification.
Comment: The MLH3 c.4301A>G variant is predicted to result in the amino acid substitution p.Lys1434Arg. To our knowledge, this variant has not been reported in the literature. This variant is reported in 0.0026% of alleles in individuals of European (Non-Finnish) descent in gnomAD and has been interpreted as uncertain in ClinVar. At this time, the clinical significance of this variant is uncertain due to the absence of conclusive functional and genetic evidence.